The following is an entry in ClinVar:

ClinVar aggregate classification (germline): Uncertain significance (1 of 4 stars; one submission).

Conditions:
Familial hypobetalipoproteinemia 1. Also called: Hypobetalipoproteinemia, normotriglyceridemic; Acanthocytosis with hypobetalipoproteinemia; APOB-Related Familial Hypobetalipoproteinemia. Identifiers: MedGen C4551990, MONDO:0014252, OMIM 615558.
Hypercholesterolemia, autosomal dominant, type B (FHCL2). Also called: Familial Hypercholesterolemia Type B; APOLIPOPROTEIN B-100, FAMILIAL DEFECTIVE; APOLIPOPROTEIN B-100, FAMILIAL LIGAND-DEFECTIVE; HYPERCHOLESTEROLEMIA, FAMILIAL, DUE TO LIGAND-DEFECTIVE APOLIPOPROTEIN B; Familial hypercholesterolemia 2; APOB-Related Familial Hypercholesterolemia, Autosomal Dominant. Identifiers: MedGen C1704417, MONDO:0007751, OMIM 144010.

gnomAD v4.1: 2 of 1,611,158 alleles (0.00012%); highest among the groups gnomAD compares: Non-Finnish European, 0.00017%; no homozygotes.

Submission:

Labcorp Genetics (formerly Invitae), Labcorp
Classification: Uncertain significance for Familial hypobetalipoproteinemia 1; Hypercholesterolemia, autosomal dominant, type B. Last evaluated: 2022-07-17. Review status: criteria provided, single submitter. Criteria: Invitae Variant Classification Sherloc (09022015). Collection method: clinical testing. Allele origin: germline.
Comment: This sequence change falls in intron 28 of the APOB gene. It does not directly change the encoded amino acid sequence of the APOB protein. It affects a nucleotide within the consensus splice site. The frequency data for this variant in the population databases is considered unreliable, as metrics indicate poor data quality at this position in the gnomAD database. This variant has not been reported in the literature in individuals affected with APOB-related conditions. Variants that disrupt the consensus splice site are a relatively common cause of aberrant splicing (PMID: 17576681, 9536098). Algorithms developed to predict the effect of sequence changes on RNA splicing suggest that this variant is not likely to affect RNA splicing. In summary, the available evidence is currently insufficient to determine the role of this variant in disease. Therefore, it has been classified as a Variant of Uncertain Significance.

Literature cited by the submitters: PubMed 17576681; PubMed 9536098.

NM_000384.3(APOB):c.12088-3T>C

Gene: APOB (apolipoprotein B; minus strand). Cytogenetic location: 2p24.1.
Variant type: single nucleotide variant.
Coding change: c.12088-3T>C on transcript NM_000384.3 (MANE Select); 3 bases into the intron before coding-DNA position 12088, T replaced by C.
Molecular consequence: intron variant.
Genome position (GRCh38, 1-based): chr2:21,003,337, A>G on the plus strand (T>C on the coding strand, the complement: APOB is on the minus strand). VCF-style: chr2-21003337-A-G. GRCh37 (hg19) VCF-style: chr2-21226209-A-G.
Identifiers: ClinVar variation 1921216 (VCV001921216.5), dbSNP rs1460987631, ClinGen allele CA531312944.